The following is an entry in ClinVar:

ClinVar aggregate classification (germline): Likely benign. Review status: criteria provided, multiple submitters, no conflicts (2 of 4 stars). 2 submissions from 2 submitters: Likely benign (2). Last evaluated 2025-12-05.

Conditions:
CACNB2-related disorder. Also called: CACNB2-related condition.

Allele frequency attached by ClinVar (database versions not stated): TOPMed 0.00010; gnomAD exomes 0.00001; ExAC 0.00004; gnomAD 0.00006.
gnomAD v4.1: 27 of 1,590,734 alleles (0.0017%); highest among the groups gnomAD compares: African/African-American, 0.035%; no homozygotes.

Submissions (2):

PreventionGenetics, part of Exact Sciences
Classification: Likely benign for CACNB2-related condition. Last evaluated: 2025-12-05. Review status: criteria provided, single submitter. Criteria: ACMG Guidelines, 2015. Collection method: clinical testing. Allele origin: germline.
Comment: This variant is classified as likely benign based on ACMG/AMP sequence variant interpretation guidelines (Richards et al. 2015 PMID: 25741868, with internal and published modifications).

GeneDx
Classification: Likely benign. Last evaluated: 2016-11-21. Review status: criteria provided, single submitter. Criteria: GeneDx Variant Classification (06012015). Collection method: clinical testing. Allele origin: germline. Affected: yes.
Comment: This variant is considered likely benign or benign based on one or more of the following criteria: it is a conservative change, it occurs at a poorly conserved position in the protein, it is predicted to be benign by multiple in silico algorithms, and/or has population frequency not consistent with disease.

NM_201596.3(CACNB2):c.-4G>A

Gene: CACNB2 (calcium voltage-gated channel auxiliary subunit beta 2; plus strand). Cytogenetic location: 10p12.33.
Variant type: single nucleotide variant.
Coding change: c.-4G>A on transcript NM_201596.3 (MANE Select); 4 bases upstream of the start codon, G replaced by A.
Molecular consequence: 5 prime UTR variant.
Genome position (GRCh38, 1-based): chr10:18,140,733, G>A. VCF-style: chr10-18140733-G-A. GRCh37 (hg19) VCF-style: chr10-18429662-G-A.
Other names: c.-447G>A (NM_001167945.2, NM_201571.4, NM_201572.4); c.-4G>A (NM_201593.3, NM_201597.3).
Identifiers: ClinVar variation 390947 (VCV000390947.4), dbSNP rs750808913, ClinGen allele CA5429321.